The following is an entry in ClinVar:

NM_000093.5(COL5A1):c.491+92C>T

Gene: COL5A1 (collagen type V alpha 1 chain; plus strand). Cytogenetic location: 9q34.3.
Variant type: single nucleotide variant.
Coding change: c.491+92C>T on transcript NM_000093.5 (MANE Select); 92 bases into the intron after coding-DNA position 491, C replaced by T.
Molecular consequence: intron variant.
Genome position (GRCh38, 1-based): chr9:134,700,214, C>T. VCF-style: chr9-134700214-C-T. GRCh37 (hg19) VCF-style: chr9-137592060-C-T.
Other names: c.491+92C>T (NM_001278074.1).
Identifiers: ClinVar variation 673784 (VCV000673784.2), dbSNP rs11103469, ClinGen allele CA15599297.
Genomic context (GRCh38, chr9:134,700,214, plus strand): 5'-TGCTGGAGGGGGGATCAGGCCAGCTCATACCACTGACCAGATGTGGGGCACAGTAGAGGA[C>T]GTGCAGCAGCCGGTACTGAGACTCCCACAGACGCCGCAGCAGAGGAGAGGGTGCTGGGCT-3'

ClinVar aggregate classification (germline): Likely benign. Review status: criteria provided, multiple submitters, no conflicts (2 of 4 stars). 2 submissions from 2 submitters: Likely benign (2). Last evaluated 2018-06-14.

Allele frequency attached by ClinVar (database versions not stated): TOPMed 0.03810; gnomAD 0.03985 and 0.04133; 1000 Genomes Project 0.05092; 1000 Genomes Project 30x 0.05278.
gnomAD v4.1: 52,206 of 1,234,122 alleles (4.2%); highest among the groups gnomAD compares: South Asian, 7.7%; 1,228 homozygotes.

Submissions (2):

GeneDx
Classification: Likely benign. Last evaluated: 2018-06-14. Review status: criteria provided, single submitter. Criteria: GeneDx Variant Classification (06012015). Collection method: clinical testing. Allele origin: germline. Affected: yes.
Comment: This variant is considered likely benign or benign based on one or more of the following criteria: it is a conservative change, it occurs at a poorly conserved position in the protein, it is predicted to be benign by multiple in silico algorithms, and/or has population frequency not consistent with disease.

Breakthrough Genomics
Classification: Likely benign. Review status: criteria provided, single submitter. Criteria: ACMG Guidelines, 2015. Collection method: not provided. Allele origin: germline. Inheritance: Autosomal dominant inheritance. Affected: yes.